The following is an entry in ClinVar:

NM_004360.5(CDH1):c.963G>C (p.Arg321Ser)

Gene: CDH1 (cadherin 1; plus strand). Cytogenetic location: 16q22.1.
Variant type: single nucleotide variant.
Coding change: c.963G>C on transcript NM_004360.5 (MANE Select); coding-DNA position 963, G replaced by C.
Protein change: p.Arg321Ser; replaces arginine 321 with serine.
Molecular consequence: missense variant. On other transcripts: 5 prime UTR variant (2).
Genome position (GRCh38, 1-based): chr16:68,811,814, G>C. VCF-style: chr16-68811814-G-C. GRCh37 (hg19) VCF-style: chr16-68845717-G-C.
Other names: c.963G>C (LRG_301t1); c.963G>C, p.Arg321Ser (NM_001317184.2); c.-653G>C (NM_001317185.2); c.-857G>C (NM_001317186.2); short protein forms R321S.
Identifiers: ClinVar variation 406641 (VCV000406641.17), dbSNP rs1060501231, ClinGen allele CA16615374.

ClinVar aggregate classification (germline): Conflicting classifications of pathogenicity. Review status: criteria provided, conflicting classifications (1 of 4 stars). 5 submissions from 5 submitters: Uncertain significance (4); Likely benign (1). Last evaluated 2025-10-07.

Conditions:
Hereditary cancer-predisposing syndrome. Also called: Tumor predisposition; Neoplastic Syndromes, Hereditary; Hereditary Cancer Syndrome; Hereditary neoplastic syndrome. Identifiers: Orphanet 140162, MedGen C0027672, MeSH D009386, MONDO:0015356.
Hereditary diffuse gastric adenocarcinoma (HDGC). Also called: DIFFUSE GASTRIC AND LOBULAR BREAST CANCER SYNDROME. Identifiers: Orphanet 26106, MedGen C1708349, MONDO:0007648, OMIM 137215.

Allele frequency attached by ClinVar (database versions not stated): gnomAD exomes below 0.00001.
gnomAD v4.1: 1 of 1,614,124 alleles (0.000062%); highest among the groups gnomAD compares: Non-Finnish European, 0.000085%; no homozygotes.

Submissions (5):

Labcorp Genetics (formerly Invitae), Labcorp
Classification: Uncertain significance for Hereditary diffuse gastric adenocarcinoma. Last evaluated: 2025-10-07. Review status: criteria provided, single submitter. Criteria: Invitae Variant Classification Sherloc (09022015). Collection method: clinical testing. Allele origin: germline.
Comment: This sequence change replaces arginine, which is basic and polar, with serine, which is neutral and polar, at codon 321 of the CDH1 protein (p.Arg321Ser). This variant is present in population databases (no rsID available, gnomAD 0.0009%). This variant has not been reported in the literature in individuals affected with CDH1-related conditions. ClinVar contains an entry for this variant (Variation ID: 406641). An algorithm developed to predict the effect of missense changes on protein structure and function (PolyPhen-2) suggests that this variant is likely to be tolerated. In summary, the available evidence is currently insufficient to determine the role of this variant in disease. Therefore, it has been classified as a Variant of Uncertain Significance.

Ambry Genetics
Classification: Likely benign for Hereditary cancer-predisposing syndrome. Last evaluated: 2025-05-08. Review status: criteria provided, single submitter. Criteria: Ambry Variant Classification Scheme 2023. Collection method: clinical testing. Allele origin: germline.

GeneDx
Classification: Uncertain significance. Last evaluated: 2024-05-30. Review status: criteria provided, single submitter. Criteria: GeneDx Variant Classification Process June 2021. Collection method: clinical testing. Allele origin: germline. Affected: yes.
Comment: Not observed at significant frequency in large population cohorts (gnomAD); In silico analysis indicates that this missense variant does not alter protein structure/function; Observed in an individual with a personal and family history of breast and ovarian cancer (PMID: 36436516); This variant is associated with the following publications: (PMID: 15235021, 22850631, 36436516)

European Reference Network on Genetic Tumour Risk Syndromes (ERN-GENTURIS), i3s - Instituto de Investigação e Inovação em Saúde, University of Porto
Classification: Uncertain significance for Hereditary diffuse gastric adenocarcinoma. Last evaluated: 2022-08-01. Review status: criteria provided, single submitter. Criteria: Lee et al. (Hum Mutat. 2018). Collection method: clinical testing. Allele origin: germline. Inheritance: Autosomal dominant inheritance. Affected: no. Study: ERN GENTURIS.
Comment: PM2 (PMID: 30311375)

Quest Diagnostics Nichols Institute San Juan Capistrano
Classification: Uncertain significance. Last evaluated: 2017-04-26. Review status: criteria provided, single submitter. Criteria: Quest Diagnostics criteria. Collection method: clinical testing. Allele origin: germline.

Literature cited by the submitters: PubMed 36436516 (cited by Ambry Genetics and European Reference Network on Genetic Tumour Risk Syndromes (ERN-GENTURIS), i3s - Instituto de Investigação e Inovação em Saúde, University of Porto).